The following is an entry in ClinVar:

NM_013275.6(ANKRD11):c.4533C>T (p.Pro1511=)

Gene: ANKRD11 (ankyrin repeat domain 11; minus strand). Cytogenetic location: 16q24.3.
Variant type: single nucleotide variant.
Coding change: c.4533C>T on transcript NM_013275.6 (MANE Select); coding-DNA position 4533, C replaced by T.
Protein change: p.Pro1511=; no amino-acid change (proline 1511 retained).
Molecular consequence: synonymous variant.
Genome position (GRCh38, 1-based): chr16:89,282,009, G>A on the plus strand (C>T on the coding strand, the complement: ANKRD11 is on the minus strand). VCF-style: chr16-89282009-G-A. GRCh37 (hg19) VCF-style: chr16-89348417-G-A.
Other names: c.4533C>T, p.Pro1511= (NM_001256182.2, NM_001256183.2).
Identifiers: ClinVar variation 588990 (VCV000588990.18), dbSNP rs769180959, ClinGen allele CA8242086.

ClinVar aggregate classification (germline): Benign/Likely benign. Review status: criteria provided, multiple submitters, no conflicts (2 of 4 stars). 5 submissions from 5 submitters: Benign (2); Likely benign (3). Last evaluated 2026-06-01.

Conditions:
Inborn genetic diseases. Identifiers: MedGen C0950123, MeSH D030342.
KBG syndrome (KBGS). Also called: ANKRD11-Related KBG Syndrome. Identifiers: Orphanet 2332, MedGen C0220687, MONDO:0007846, OMIM 148050.

Allele frequency attached by ClinVar (database versions not stated): gnomAD 0.00003; TOPMed 0.00009; ExAC 0.00013; gnomAD exomes 0.00017.
gnomAD v4.1: 53 of 1,613,208 alleles (0.0033%); highest among the groups gnomAD compares: Admixed American, 0.083%; no homozygotes.

Submissions (5):

CeGaT Center for Human Genetics Tuebingen
Classification: Likely benign. Last evaluated: 2026-06-01. Review status: criteria provided, single submitter. Criteria: CeGaT Center For Human Genetics Tuebingen Variant Classification Criteria Version 2. Collection method: clinical testing. Allele origin: germline. Affected: yes. Observed: 2 variant alleles.
Comment: ANKRD11: BP4, BP7

Women's Health and Genetics/Laboratory Corporation of America, LabCorp
Classification: Benign. Last evaluated: 2026-05-12. Review status: criteria provided, single submitter. Criteria: LabCorp Variant Classification Summary - May 2015. Collection method: clinical testing. Allele origin: germline.

Labcorp Genetics (formerly Invitae), Labcorp
Classification: Benign for KBG syndrome. Last evaluated: 2026-01-26. Review status: criteria provided, single submitter. Criteria: Invitae Variant Classification Sherloc (09022015). Collection method: clinical testing. Allele origin: germline.

GeneDx
Classification: Likely benign. Last evaluated: 2021-05-18. Review status: criteria provided, single submitter. Criteria: GeneDx Variant Classification Process June 2021. Collection method: clinical testing. Allele origin: germline. Affected: yes.

Ambry Genetics
Classification: Likely benign for Inborn genetic diseases. Last evaluated: 2016-10-17. Review status: criteria provided, single submitter. Criteria: Ambry Variant Classification Scheme 2023. Collection method: clinical testing. Allele origin: germline.